The following is an entry in ClinVar:

ClinVar aggregate classification (germline): Conflicting classifications of pathogenicity. Review status: criteria provided, conflicting classifications (1 of 4 stars). 4 submissions from 4 submitters: Uncertain significance (3); Likely benign (1). Last evaluated 2026-03-03.

Conditions:
ALAS2-related disorder. Also called: ALAS2-related condition.
X-linked sideroblastic anemia 1. Also called: Erythroid 5-aminolevulinate synthase deficiency; X chromosome-linked sideroblastic anemia; Anemia, sideroblastic, 1; Anemia, hereditary sideroblastic 1, pyridoxine refractory; ANEMIA, SIDEROBLASTIC, 1, PYRIDOXINE REFRACTORY; X-linked pyridoxine-refractory sideroblastic anemia. Identifiers: Orphanet 75563, MedGen C4551511, MONDO:0020721, OMIM 300751. Disease mechanism: loss of function.

Allele frequency attached by ClinVar (database versions not stated): gnomAD 0.00028; gnomAD exomes 0.00028 and 0.00044; ExAC 0.00029; TOPMed 0.00045.
gnomAD v4.1: 151 of 340,489 alleles (0.044%); highest among the groups gnomAD compares: Non-Finnish European, 0.077%; no homozygotes.

Submissions (4):

PreventionGenetics, part of Exact Sciences
Classification: Uncertain significance for ALAS2-related condition. Last evaluated: 2026-03-03. Review status: criteria provided, single submitter. Criteria: ACMG Guidelines, 2015. Collection method: clinical testing. Allele origin: germline.
Comment: The ALAS2 c.-34C>T variant is located in the 5' untranslated region. This variant is reported in 0.052% of alleles in individuals of European (Non-Finnish) descent in gnomAD, which may be too frequent to be a primary cause of disease. Although we suspect that this variant may be benign, at this time, the clinical significance of this variant is uncertain due to the absence of conclusive functional and genetic evidence.

Mendelics
Classification: Uncertain significance. Last evaluated: 2022-05-04. Review status: criteria provided, single submitter. Criteria: Mendelics Assertion Criteria 2019. Collection method: clinical testing. Allele origin: germline.

GeneDx
Classification: Uncertain significance. Last evaluated: 2019-03-01. Review status: criteria provided, single submitter. Criteria: GeneDx Variant Classification Process June 2021. Collection method: clinical testing. Allele origin: germline. Affected: yes.
Comment: Nucleotide substitution occurs at a position that is conserved across species. However, in the absence of RNA studies, the function of this variant is unclear.; This variant is associated with the following publications: (PMID: 18823803, 23315997)

Illumina Laboratory Services, Illumina
Classification: Likely benign for X-linked sideroblastic anemia 1. Last evaluated: 2017-04-28. Review status: criteria provided, single submitter. Criteria: ICSL Variant Classification Criteria 13 December 2019. Collection method: clinical testing. Allele origin: germline.
Comment: This variant was observed as part of a predisposition screen in an ostensibly healthy population. A literature search was performed for the gene, cDNA change, and amino acid change (where applicable). Publications were found based on this search. The evidence from the literature, in combination with allele frequency data from public databases where available, was sufficient to determine this variant is unlikely to cause disease. Therefore, this variant is classified as likely benign.

Literature cited by the submitters: PubMed 18823803 (cited by Illumina Laboratory Services, Illumina); PubMed 23315997 (cited by Illumina Laboratory Services, Illumina).

NM_000032.5(ALAS2):c.-34C>T

Genes: PAGE2B (PAGE family member 2B; plus strand), ALAS2 (5'-aminolevulinate synthase 2; minus strand), LOC108663984 (ALAS2 intron 1 and 3 erythroid regulatory elements; plus strand). Cytogenetic location: Xp11.21.
Variant type: single nucleotide variant.
Coding change: c.-34C>T on transcript NM_000032.5 (MANE Select); 34 bases upstream of the start codon, C replaced by T.
Molecular consequence: 5 prime UTR variant.
Genome position (GRCh38, 1-based): chrX:55,030,960, G>A on the plus strand (C>T on the coding strand, the complement: ALAS2 is on the minus strand). VCF-style: chrX-55030960-G-A. GRCh37 (hg19) VCF-style: chrX-55057393-G-A.
Other names: c.-34C>T (LRG_1163t1, NM_001037967.4); c.-69C>T (NM_001037968.4).
Identifiers: ClinVar variation 368601 (VCV000368601.10), dbSNP rs780642606, ClinGen allele CA10428530.